The following is an entry in ClinVar:

ClinVar aggregate classification (germline): Likely benign. Review status: criteria provided, multiple submitters, no conflicts (2 of 4 stars). 3 submissions from 3 submitters: Likely benign (3). Last evaluated 2025-10-15.

Conditions:
Early-infantile DEE. Also called: Early infantile epileptic encephalopathy; Ohtahara syndrome; Early infantile epileptic encephalopathy with suppression bursts. Identifiers: Orphanet 1934, MedGen C0393706, MONDO:0800491.

Allele frequency attached by ClinVar (database versions not stated): gnomAD exomes 0.00001 and 0.00002; TOPMed 0.00001; gnomAD 0.00003 and 0.00004.

Submissions (3):

Women's Health and Genetics/Laboratory Corporation of America, LabCorp
Classification: Likely benign. Last evaluated: 2025-10-15. Review status: criteria provided, single submitter. Criteria: LabCorp Variant Classification Summary - May 2015. Collection method: clinical testing. Allele origin: germline.

CeGaT Center for Human Genetics Tuebingen
Classification: Likely benign. Last evaluated: 2025-07-01. Review status: criteria provided, single submitter. Criteria: CeGaT Center For Human Genetics Tuebingen Variant Classification Criteria Version 2. Collection method: clinical testing. Allele origin: germline. Affected: yes. Observed: 1 variant allele.
Comment: SCN8A: BP4

Labcorp Genetics (formerly Invitae), Labcorp
Classification: Likely benign for Early-infantile DEE. Last evaluated: 2025-06-22. Review status: criteria provided, single submitter. Criteria: Invitae Variant Classification Sherloc (09022015). Collection method: clinical testing. Allele origin: germline.

NM_001330260.2(SCN8A):c.3490+8G>A

Gene: SCN8A (sodium voltage-gated channel alpha subunit 8; plus strand). Cytogenetic location: 12q13.13.
Variant type: single nucleotide variant.
Coding change: c.3490+8G>A on transcript NM_001330260.2 (MANE Select); 8 bases into the intron after coding-DNA position 3490, G replaced by A.
Molecular consequence: intron variant.
Genome position (GRCh38, 1-based): chr12:51,769,993, G>A. VCF-style: chr12-51769993-G-A. GRCh37 (hg19) VCF-style: chr12-52163777-G-A.
Other names: c.3490+8G>A (NM_014191.4, NM_001177984.3, NM_001369788.1).
Identifiers: ClinVar variation 1099067 (VCV001099067.17), dbSNP rs1469519963, ClinGen allele CA605046564.